The following is an entry in ClinVar:

ClinVar aggregate classification (germline): Uncertain significance (1 of 4 stars; one submission).

Conditions:
Glycogen storage disease type III (GSD3). Also called: Cori disease; FORBES DISEASE. Identifiers: Orphanet 366, MedGen C0017922, MONDO:0009291, OMIM 232400.

gnomAD v4.1: 1 of 1,614,132 alleles (0.000062%); no homozygotes.

Submission:

Labcorp Genetics (formerly Invitae), Labcorp
Classification: Uncertain significance for Glycogen storage disease type III. Last evaluated: 2021-08-24. Review status: criteria provided, single submitter. Criteria: Invitae Variant Classification Sherloc (09022015). Collection method: clinical testing. Allele origin: germline.
Comment: This sequence change replaces glycine with serine at codon 413 of the AGL protein (p.Gly413Ser). The glycine residue is highly conserved and there is a small physicochemical difference between glycine and serine. This variant is not present in population databases (ExAC no frequency). This variant has not been reported in the literature in individuals affected with AGL-related conditions. Algorithms developed to predict the effect of missense changes on protein structure and function are either unavailable or do not agree on the potential impact of this missense change (SIFT: "Deleterious"; PolyPhen-2: "Probably Damaging"; Align-GVGD: "Class C0"). Algorithms developed to predict the effect of sequence changes on RNA splicing suggest that this variant may create or strengthen a splice site. In summary, the available evidence is currently insufficient to determine the role of this variant in disease. Therefore, it has been classified as a Variant of Uncertain Significance.

NM_000642.3(AGL):c.1237G>A (p.Gly413Ser)

Gene: AGL (amylo-alpha-1,6-glucosidase and 4-alpha-glucanotransferase; plus strand). Cytogenetic location: 1p21.2.
Variant type: single nucleotide variant.
Coding change: c.1237G>A on transcript NM_000642.3 (MANE Select); coding-DNA position 1237, G replaced by A.
Protein change: p.Gly413Ser; replaces glycine 413 with serine.
Molecular consequence: missense variant.
Genome position (GRCh38, 1-based): chr1:99,875,409, G>A. VCF-style: chr1-99875409-G-A. GRCh37 (hg19) VCF-style: chr1-100340965-G-A.
Other names: c.1033G>A, p.Gly345Ser (NM_001425329.1, NM_001425328.1); c.859G>A, p.Gly287Ser (NM_001425332.1); c.1237G>A, p.Gly413Ser (NM_001425325.1, NM_001425326.1, NM_000643.3 and 2 more transcripts); c.1189G>A, p.Gly397Ser (NM_000646.3); short protein forms G397S, G413S, G287S, G345S.
Identifiers: ClinVar variation 944484 (VCV000944484.7), dbSNP rs767865657, ClinGen allele CA341345489.
Genomic context (GRCh38, chr1:99,875,409, plus strand): 5'-GTTTTTCAGGCAGTTAATTGCCTTTTGGGAAATGTGTTTTATGAACGACTGGCTGGCCAT[G>A]GTCCAAAACTAGGACCTGTCACTAGAAAGCATCCTTTAGTTACCAGGTGTTGCATTTTTG-3'
Protein context (NP_000633.2, residues 403-423): NVFYERLAGH[Gly413Ser]PKLGPVTRKH